The following is an entry in ClinVar:

ClinVar aggregate classification (germline): Conflicting classifications of pathogenicity. Review status: criteria provided, conflicting classifications (1 of 4 stars). 5 submissions from 5 submitters: Uncertain significance (2); Likely benign (3). Last evaluated 2025-03-04.

Conditions:
Fanconi anemia complementation group J. Also called: BRIP1-Related Fanconi Anemia. Identifiers: Orphanet 84, MedGen C1836860, MONDO:0012187, OMIM 609054.
Familial cancer of breast. Also called: BREAST CANCER, FAMILIAL; hereditary breast carcinoma; Hereditary breast cancer. Identifiers: Orphanet 227535, MedGen C0346153, MONDO:0016419, OMIM 114480. Disease mechanism: loss of function.
Familial ovarian cancer. Identifiers: MedGen C5679802, MONDO:0016248.
Hereditary cancer-predisposing syndrome. Also called: Tumor predisposition; Hereditary neoplastic syndrome; Neoplastic Syndromes, Hereditary; Hereditary Cancer Syndrome. Identifiers: Orphanet 140162, MedGen C0027672, MeSH D009386, MONDO:0015356.

Allele frequency attached by ClinVar (database versions not stated): gnomAD exomes below 0.00001; ExAC 0.00001.
gnomAD v4.1: 1 of 1,598,984 alleles (0.000063%); highest among the groups gnomAD compares: Non-Finnish European, 0.000086%; no homozygotes.

Submissions (5):

Center for Genomic Medicine, Rigshospitalet, Copenhagen University Hospital
Classification: Likely benign. Last evaluated: 2025-03-04. Review status: criteria provided, single submitter. Criteria: ACMG Guidelines, 2015. Collection method: clinical testing. Allele origin: germline.

Women's Health and Genetics/Laboratory Corporation of America, LabCorp
Classification: Likely benign. Last evaluated: 2024-12-11. Review status: criteria provided, single submitter. Criteria: LabCorp Variant Classification Summary - May 2015. Collection method: clinical testing. Allele origin: germline.

Labcorp Genetics (formerly Invitae), Labcorp
Classification: Likely benign for Familial cancer of breast; Fanconi anemia complementation group J. Last evaluated: 2024-10-16. Review status: criteria provided, single submitter. Criteria: Invitae Variant Classification Sherloc (09022015). Collection method: clinical testing. Allele origin: germline.

Molecular Pathology, Peter Maccallum Cancer Centre
Classification: Uncertain significance for Familial ovarian cancer. Last evaluated: 2024-09-05. Review status: criteria provided, single submitter. Criteria: ACMG Guidelines, 2015. Collection method: clinical testing. Allele origin: germline. Inheritance: Autosomal dominant inheritance.

Color Diagnostics, LLC DBA Color Health
Classification: Uncertain significance for Hereditary cancer-predisposing syndrome. Last evaluated: 2021-02-12. Review status: criteria provided, single submitter. Criteria: ACMG Guidelines, 2015. Collection method: clinical testing. Allele origin: germline.
Comment: This variant causes a T to A nucleotide substitution at the -10 position of intron 17 of the BRIP1 gene. Splice site prediction tools suggest that this variant may not impact RNA splicing, although this prediction has not been confirmed in published RNA studies. To our knowledge, this variant has not been reported in individuals affected with hereditary cancer in the literature. This variant has been identified in 1/250884 chromosomes in the general population by the Genome Aggregation Database (gnomAD). The available evidence is insufficient to determine the role of this variant in disease conclusively. Therefore, this variant is classified as a Variant of Uncertain Significance.

NM_032043.3(BRIP1):c.2493-10T>A

Gene: BRIP1 (BRCA1 interacting DNA helicase 1; minus strand). Cytogenetic location: 17q23.2.
Variant type: single nucleotide variant.
Coding change: c.2493-10T>A on transcript NM_032043.3 (MANE Select); 10 bases into the intron before coding-DNA position 2493, T replaced by A.
Molecular consequence: intron variant.
Genome position (GRCh38, 1-based): chr17:61,693,522, A>T on the plus strand (T>A on the coding strand, the complement: BRIP1 is on the minus strand). VCF-style: chr17-61693522-A-T. GRCh37 (hg19) VCF-style: chr17-59770883-A-T.
Identifiers: ClinVar variation 929142 (VCV000929142.18), dbSNP rs776255327, ClinGen allele CA8690495.
Genomic context (GRCh38, chr17:61,693,522, plus strand): 5'-CGATCATCCACTAGAATAAGAGCTCCCCAATCATTTCTGTGTCTAATACATCTAGAAAAA[A>T]TAGGGAAAAAGTCAAATAATTATAACATCGGAAATAAATCCAGTTTTCCAGTGGGACAGA-3'